The following is an entry in ClinVar:

NM_153448.4(ESX1):c.867A>G (p.Pro289=)

Gene: ESX1 (ESX homeobox 1; minus strand). Cytogenetic location: Xq22.2.
Variant type: single nucleotide variant.
Coding change: c.867A>G on transcript NM_153448.4 (MANE Select); coding-DNA position 867, A replaced by G.
Protein change: p.Pro289=; no amino-acid change (proline 289 retained).
Molecular consequence: synonymous variant.
Genome position (GRCh38, 1-based): chrX:104,250,582, T>C on the plus strand (A>G on the coding strand, the complement: ESX1 is on the minus strand). VCF-style: chrX-104250582-T-C. GRCh37 (hg19) VCF-style: chrX-103495263-T-C.
Identifiers: ClinVar variation 2661113 (VCV002661113.24), dbSNP rs782815788, ClinGen allele CA10480014.
Genomic context (GRCh38, chrX:104,250,582, plus strand): 5'-CATGGGCGGCCAGGGTGGCACAGGCGCCATGGGCGGCCAGGGTGGCACAGGCGCCATGCG[T>C]GGCCCGGGTGGCACAGGCGCCATGCGTGAGCCGGGTGGCACAGGCGCCATGGGTGGCATA-3'
Protein context (NP_703149.1, residues 279-299): GSRMAPVPPG[Pro289=]RMAPVPPWPP

ClinVar aggregate classification (germline): Likely benign (1 of 4 stars; one submission).

Allele frequency attached by ClinVar (database versions not stated): gnomAD 0.00010; ExAC 0.00012; 1000 Genomes Project 30x 0.00042; 1000 Genomes Project 0.00053.
gnomAD v4.1: 70 of 1,166,564 alleles (0.006%); highest among the groups gnomAD compares: East Asian, 0.12%; no homozygotes.

Submission:

CeGaT Center for Human Genetics Tuebingen
Classification: Likely benign. Last evaluated: 2024-12-01. Review status: criteria provided, single submitter. Criteria: CeGaT Center For Human Genetics Tuebingen Variant Classification Criteria Version 2. Collection method: clinical testing. Allele origin: germline. Affected: yes. Observed: 4 variant alleles.
Comment: ESX1: BP4, BP7, BS2